The following is an entry in ClinVar:

ClinVar aggregate classification (germline): Uncertain significance. Review status: criteria provided, multiple submitters, no conflicts (2 of 4 stars). 2 submissions from 2 submitters: Uncertain significance (2). Last evaluated 2025-06-29.

Conditions:
Inborn genetic diseases. Identifiers: MedGen C0950123, MeSH D030342.

Allele frequency attached by ClinVar (database versions not stated): ExAC 0.00001; gnomAD 0.00001; gnomAD exomes 0.00002; TOPMed 0.00002; ESP Exome Variant Server 0.00008.
gnomAD v4.1: 49 of 1,613,974 alleles (0.003%); highest among the groups gnomAD compares: Non-Finnish European, 0.0041%; no homozygotes.

Submissions (2):

Ambry Genetics
Classification: Uncertain significance for Inborn genetic diseases. Last evaluated: 2025-06-29. Review status: criteria provided, single submitter. Criteria: Ambry Variant Classification Scheme 2023. Collection method: clinical testing. Allele origin: germline.

Labcorp Genetics (formerly Invitae), Labcorp
Classification: Uncertain significance. Last evaluated: 2025-04-18. Review status: criteria provided, single submitter. Criteria: Invitae Variant Classification Sherloc (09022015). Collection method: clinical testing. Allele origin: germline.
Comment: This sequence change replaces glycine, which is neutral and non-polar, with arginine, which is basic and polar, at codon 142 of the COL10A1 protein (p.Gly142Arg). This variant is present in population databases (rs376224853, gnomAD 0.004%). This variant has not been reported in the literature in individuals affected with COL10A1-related conditions. ClinVar contains an entry for this variant (Variation ID: 1428550). Invitae Evidence Modeling of protein sequence and biophysical properties (such as structural, functional, and spatial information, amino acid conservation, physicochemical variation, residue mobility, and thermodynamic stability) has been performed for this missense variant. However, the output from this modeling did not meet the statistical confidence thresholds required to predict the impact of this variant on COL10A1 protein function. In summary, the available evidence is currently insufficient to determine the role of this variant in disease. Therefore, it has been classified as a Variant of Uncertain Significance.

NM_000493.4(COL10A1):c.424G>C (p.Gly142Arg)

Genes: COL10A1 (collagen type X alpha 1 chain; minus strand), NT5DC1 (5'-nucleotidase domain containing 1; plus strand). Cytogenetic location: 6q22.1.
Variant type: single nucleotide variant.
Coding change: c.424G>C on transcript NM_000493.4 (MANE Select); coding-DNA position 424, G replaced by C.
Protein change: p.Gly142Arg; replaces glycine 142 with arginine.
Molecular consequence: missense variant. On other transcripts: intron variant (1).
Genome position (GRCh38, 1-based): chr6:116,121,692, C>G on the plus strand (G>C on the coding strand, the complement: COL10A1 is on the minus strand). VCF-style: chr6-116121692-C-G. GRCh37 (hg19) VCF-style: chr6-116442855-C-G.
Other names: c.424G>C, p.Gly142Arg (NM_001424106.1, NM_001424107.1); c.529+3747C>G (NM_152729.3); c.424G>C (NM_000493.3); short protein forms G142R.
Identifiers: ClinVar variation 1428550 (VCV001428550.7), dbSNP rs376224853, ClinGen allele CA3968401.
Genomic context (GRCh38, chr6:116,121,692, plus strand): 5'-CCTGTTGTCCAGGTTTTCCTGGCACAGAAATTCCAGCCGGTCCAGGGATTCCAGGTGGTC[C>G]TGGTGGGCCCCGGGGTCCTGGTAGGCCAGCTGGTCCAACATCTCCTTTTGGTCCATATGG-3'
Protein context (NP_000484.2, residues 132-152): AGLPGPRGPP[Gly142Arg]PPGIPGPAGI